The following is an entry in ClinVar:

ClinVar aggregate classification (germline): Uncertain significance. Review status: criteria provided, single submitter (1 of 4 stars). 2 submissions from 2 submitters: Uncertain significance (1). 1 of the submissions does not count toward it. Last evaluated 2024-11-24.

Conditions:
Inborn genetic diseases. Identifiers: MedGen C0950123, MeSH D030342.
PKD1L1-related disorder. Also called: PKD1L1-related condition.

Allele frequency attached by ClinVar (database versions not stated): gnomAD exomes 0.00003; ExAC 0.00013; gnomAD 0.00030; TOPMed 0.00037; ESP Exome Variant Server 0.00038; 1000 Genomes Project 30x 0.00078; 1000 Genomes Project 0.00080.
gnomAD v4.1: 96 of 1,614,114 alleles (0.0059%); highest among the groups gnomAD compares: African/African-American, 0.1%; no homozygotes.

Submissions (2):

Ambry Genetics
Classification: Uncertain significance for Inborn genetic diseases. Last evaluated: 2024-11-24. Review status: criteria provided, single submitter. Criteria: Ambry Variant Classification Scheme 2023. Collection method: clinical testing. Allele origin: germline.

PreventionGenetics, part of Exact Sciences
Classification: Uncertain significance for PKD1L1-related condition. Last evaluated: 2024-08-21. Review status: no assertion criteria provided. Collection method: clinical testing. Allele origin: germline. Not counted in ClinVar's aggregate classification.
Comment: The PKD1L1 c.1849G>A variant is predicted to result in the amino acid substitution p.Gly617Ser. To our knowledge, this variant has not been reported in the literature. This variant is reported in 0.13% of alleles in individuals of African descent in gnomAD. Although we suspect that this variant may be benign, at this time, the clinical significance of this variant is uncertain due to the absence of conclusive functional and genetic evidence.

NM_138295.5(PKD1L1):c.1849G>A (p.Gly617Ser)

Gene: PKD1L1 (polycystin 1 like 1, transient receptor potential channel interacting; minus strand). Cytogenetic location: 7p12.3.
Variant type: single nucleotide variant.
Coding change: c.1849G>A on transcript NM_138295.5 (MANE Select); coding-DNA position 1849, G replaced by A.
Protein change: p.Gly617Ser; replaces glycine 617 with serine.
Molecular consequence: missense variant.
Genome position (GRCh38, 1-based): chr7:47,904,460, C>T on the plus strand (G>A on the coding strand, the complement: PKD1L1 is on the minus strand). VCF-style: chr7-47904460-C-T. GRCh37 (hg19) VCF-style: chr7-47944057-C-T.
Other names: short protein forms G617S.
Identifiers: ClinVar variation 2361850 (VCV002361850.5), dbSNP rs116782098, ClinGen allele CA4253945.